The following is an entry in ClinVar:

NM_000059.4(BRCA2):c.1901del (p.Ala634fs)

Gene: BRCA2 (BRCA2 DNA repair associated; plus strand). Cytogenetic location: 13q13.1.
Variant type: Deletion.
Coding change: c.1901del on transcript NM_000059.4 (MANE Select); coding-DNA position 1901, one base deleted (C; older notation c.1901delC).
Protein change: p.Ala634fs; shifts the reading frame from alanine 634.
Molecular consequence: frameshift variant.
Genome position (GRCh38, 1-based): chr13:32,333,379, C deleted. VCF-style (leftmost placement, unchanged base first): chr13-32333378-GC-G. GRCh37 (hg19) VCF-style: chr13-32907515-GC-G.
Other names: c.1901delC (NM_000059.3); short protein forms A634fs.
Identifiers: ClinVar variation 51223 (VCV000051223.4), dbSNP rs397507614, ClinGen allele CA013780.

ClinVar aggregate classification (germline): Pathogenic. Review status: reviewed by expert panel (3 of 4 stars). 3 submissions from 3 submitters: Pathogenic (1). 2 of the submissions do not count toward it. Last evaluated 2017-12-15.

Conditions:
Familial cancer of breast. Also called: BREAST CANCER, FAMILIAL; Hereditary breast cancer; hereditary breast carcinoma. Identifiers: Orphanet 227535, MedGen C0346153, MONDO:0016419, OMIM 114480. Disease mechanism: loss of function.
Breast-ovarian cancer, familial, susceptibility to, 2 (BROVCA2). Also called: BRCA2 Hereditary Breast and Ovarian Cancer. Identifiers: Orphanet 145, MedGen C2675520, MONDO:0012933, OMIM 612555. Disease mechanism: loss of function.

Submissions (3):

Evidence-based Network for the Interpretation of Germline Mutant Alleles (ENIGMA)
Classification: Pathogenic for Breast-ovarian cancer, familial, susceptibility to, 2. Last evaluated: 2017-12-15. Review status: reviewed by expert panel. Criteria: ENIGMA BRCA1/2 Classification Criteria (2017-06-29). Collection method: curation. Allele origin: germline. Study: ENIGMA.
Comment: Variant allele predicted to encode a truncated non-functional protein.

ClinVar Staff, National Center for Biotechnology Information (NCBI)
No classification provided. Condition: Familial cancer of breast. Review status: no classification provided. Collection method: literature only. Allele origin: germline. Affected: yes. Not counted in ClinVar's aggregate classification.

Department of Pathology and Laboratory Medicine, Sinai Health System
Classification: Pathogenic. Review status: no assertion criteria provided. Collection method: clinical testing. Allele origin: unknown. Affected: yes. Study: The Canadian Open Genetics Repository (COGR). Not counted in ClinVar's aggregate classification.
Comment: The BRCA2 p.Ala634ValfsX10 variant was identified in 1 of 978 proband chromosomes (frequency: 0.001) from individuals or families with breast cancer (Li 2008). The variant was also identified in dbSNP (ID: rs397507614) as â€šÃ„ÃºWith untested alleleâ€šÃ„Ã¹, in ClinVar (classification not provided), ARUP Laboratories (as Definitely pathogenic ), and Zhejiang University (1x as Pathogenic ). The variant was not identified in GeneInsight-COGR, Cosmic, UMD-LSDB, or BIC databases. The variant was not identified in the following control databases: the 1000 Genomes Project, the NHLBI GO Exome Sequencing Project, the Exome Aggregation Consortium (August 8th 2016), or the Genome Aggregation Database (Feb 27, 2017). The variant occurs outside of the splicing consensus sequence and 2 of 5 in silico or computational prediction software programs (SpliceSiteFinder, MaxEntScan, NNSPLICE, GeneSplicer, HumanSpliceFinder) predict a greater than 10% difference in splicing; this is not very predictive of pathogenicity. The c.1901del variant is predicted to cause a frameshift, which alters the protein's amino acid sequence beginning at codon 634 and leads to a premature stop codon at position 644. This alteration is then predicted to result in a truncated or absent protein and loss of function. Loss of function variants of the BRCA2 gene are an established mechanism of disease in BRCA associated cancers and is the type of variant expected to cause the disorder. In summary, based on the above information this variant meets our laboratoryâ€šÃ„Ã´s criteria to be classified as pathogenic.

Literature cited by the submitters: PubMed 17851763 (cited by ClinVar Staff, National Center for Biotechnology Information (NCBI)).